The following is an entry in ClinVar:

ClinVar aggregate classification (germline): Uncertain significance (1 of 4 stars; one submission).

Conditions:
Familial adenomatous polyposis 1 (FAP1). Also called: FAMILIAL ADENOMATOUS POLYPOSIS 1, ATTENUATED; POLYPOSIS, ADENOMATOUS INTESTINAL. Identifiers: MedGen C2713442, MONDO:0021056, OMIM 175100. Disease mechanism: loss of function.

Submission:

Labcorp Genetics (formerly Invitae), Labcorp
Classification: Uncertain significance for Familial adenomatous polyposis 1. Last evaluated: 2021-08-17. Review status: criteria provided, single submitter. Criteria: Invitae Variant Classification Sherloc (09022015). Collection method: clinical testing. Allele origin: germline.
Comment: This sequence change replaces threonine with asparagine at codon 1895 of the APC protein (p.Thr1895Asn). The threonine residue is moderately conserved and there is a small physicochemical difference between threonine and asparagine. In summary, the available evidence is currently insufficient to determine the role of this variant in disease. Therefore, it has been classified as a Variant of Uncertain Significance. Algorithms developed to predict the effect of missense changes on protein structure and function output the following: SIFT: "Tolerated"; PolyPhen-2: "Benign"; Align-GVGD: "Class C0". The asparagine amino acid residue is found in multiple mammalian species, suggesting that this missense change does not adversely affect protein function. These predictions have not been confirmed by published functional studies and their clinical significance is uncertain. This variant has not been reported in the literature in individuals with APC-related conditions. This variant is not present in population databases (ExAC no frequency).

NM_000038.6(APC):c.5684C>A (p.Thr1895Asn)

Gene: APC (APC regulator of Wnt signaling pathway; plus strand). Cytogenetic location: 5q22.2.
Variant type: single nucleotide variant.
Coding change: c.5684C>A on transcript NM_000038.6 (MANE Select); coding-DNA position 5684, C replaced by A.
Protein change: p.Thr1895Asn; replaces threonine 1895 with asparagine.
Molecular consequence: missense variant.
Genome position (GRCh38, 1-based): chr5:112,841,278, C>A. VCF-style: chr5-112841278-C-A. GRCh37 (hg19) VCF-style: chr5-112176975-C-A.
Other names: c.5684C>A, p.Thr1895Asn (NM_001127510.3, NM_001354895.2); c.5630C>A, p.Thr1877Asn (NM_001127511.3); c.5738C>A, p.Thr1913Asn (NM_001354896.2); c.5714C>A, p.Thr1905Asn (NM_001354897.2); c.5609C>A, p.Thr1870Asn (NM_001354898.2); c.5600C>A, p.Thr1867Asn (NM_001354899.2); c.5561C>A, p.Thr1854Asn (NM_001354900.2); c.5507C>A, p.Thr1836Asn (NM_001354901.2); and 5 more; short protein forms T1735N, T1836N, T1854N, T1870N, T1895N, T1794N, T1877N, T1612N.
Identifiers: ClinVar variation 1500827 (VCV001500827.8), dbSNP rs752605851, ClinGen allele CA16033777.